The following is an entry in ClinVar:

NM_001348323.3(TRIP12):c.3671_3672del (p.Val1223_Ser1224insTer)

Gene: TRIP12 (thyroid hormone receptor interactor 12; minus strand). Cytogenetic location: 2q36.3.
Variant type: Deletion.
Coding change: c.3671_3672del on transcript NM_001348323.3 (MANE Select); coding-DNA positions 3671 to 3672, 2 bases deleted (CA; older notation c.3671_3672delCA).
Protein change: p.Val1223_Ser1224insTer.
Molecular consequence: nonsense.
Genome position (GRCh38, 1-based): chr2:229,796,735-229,796,736, TG deleted on the plus strand (CA on the coding strand, the reverse complement: TRIP12 is on the minus strand). VCF-style (leftmost placement, unchanged base first): chr2-229796734-CTG-C. GRCh37 (hg19) VCF-style: chr2-230661450-CTG-C.
Other names: c.3590_3591del, p.Val1196_Ser1197insTer (NM_001284214.2, NM_001348315.2); c.3545_3546del, p.Val1181_Ser1182insTer (NM_001284215.2, NM_001348316.2, NM_001348317.1 and 1 more transcripts); c.2636_2637del, p.Val878_Ser879insTer (NM_001284216.2); c.3671_3672del, p.Val1223_Ser1224insTer (NM_001348319.1, NM_001348320.2, NM_001348322.1 and 4 more transcripts); c.3674_3675del, p.Val1224_Ser1225insTer (NM_001348321.1, NM_001348328.1, NM_001348329.2 and 1 more transcripts); c.3464_3465del, p.Val1154_Ser1155insTer (NM_001348331.1); c.3584_3585del, p.Val1194_Ser1195insTer (NM_001348332.1); c.3593_3594del, p.Val1197_Ser1198insTer (NM_001348333.1); and 1 more.
Identifiers: ClinVar variation 446139 (VCV000446139.5), dbSNP rs1553614300, ClinGen allele CA658653764.

ClinVar aggregate classification (germline): Pathogenic. Review status: criteria provided, single submitter (1 of 4 stars). 2 submissions from 2 submitters: Pathogenic (1). 1 of the submissions does not count toward it. Last evaluated 2020-06-15.

Conditions:
Clark-Baraitser syndrome. Also called: Intellectual disability, autosomal dominant 49; MENTAL RETARDATION, AUTOSOMAL DOMINANT 49; BARAITSER SYNDROME; Mental retardation, tall stature, obesity, macrocephaly and typical facial features. Identifiers: Orphanet 600731, MedGen C2931130, MONDO:0030914, OMIM 617752.

Submissions (2):

GeneDx
Classification: Pathogenic. Last evaluated: 2020-06-15. Review status: criteria provided, single submitter. Criteria: GeneDx Variant Classification Process June 2021. Collection method: clinical testing. Allele origin: germline. Affected: yes.
Comment: Nonsense variant predicted to result in protein truncation or nonsense mediated decay in a gene for which loss-of-function is a known mechanism of disease; Not observed in large population cohorts (Lek et al., 2016); This variant is associated with the following publications: (PMID: 28251352)

OMIM
Classification: Pathogenic for CLARK-BARAITSER SYNDROME. Last evaluated: 2020-04-15. Review status: no assertion criteria provided. Collection method: literature only. Allele origin: germline. Not counted in ClinVar's aggregate classification.

Literature cited by the submitters: PubMed 28660352 (cited by OMIM).